The following is an entry in ClinVar:

NM_015450.3(POT1):c.9+1G>A

Gene: POT1 (protection of telomeres 1; minus strand). Cytogenetic location: 7q31.33.
Variant type: single nucleotide variant.
Coding change: c.9+1G>A on transcript NM_015450.3 (MANE Select); the canonical splice donor site of the intron after coding-DNA position 9, G replaced by A.
Molecular consequence: splice donor variant.
Genome position (GRCh38, 1-based): chr7:124,897,164, C>T on the plus strand (G>A on the coding strand, the complement: POT1 is on the minus strand). VCF-style: chr7-124897164-C-T. GRCh37 (hg19) VCF-style: chr7-124537218-C-T.
Other names: c.-254+1G>A (NM_001042594.2).
Identifiers: ClinVar variation 1765430 (VCV001765430.6), dbSNP rs2485575117, ClinGen allele CA369066356.

ClinVar aggregate classification (germline): Likely pathogenic. Review status: criteria provided, multiple submitters, no conflicts (2 of 4 stars). 2 submissions from 2 submitters: Likely pathogenic (2). Last evaluated 2024-12-10.

Conditions:
Tumor predisposition syndrome 3 (TPDS3). Also called: Melanoma, cutaneous malignant, susceptibility to, 10; Glioma susceptibility 9; LONG TELOMERE SYNDROME, POT1-RELATED; POT1 Tumor Predisposition. Identifiers: Orphanet 618, MedGen C4014476, MONDO:0014368, OMIM 615848.
Hereditary cancer-predisposing syndrome. Also called: Hereditary Cancer Syndrome; Hereditary neoplastic syndrome; Neoplastic Syndromes, Hereditary; Tumor predisposition. Identifiers: Orphanet 140162, MedGen C0027672, MeSH D009386, MONDO:0015356.

Submissions (2):

Ambry Genetics
Classification: Likely pathogenic for Hereditary cancer-predisposing syndrome. Last evaluated: 2024-12-10. Review status: criteria provided, single submitter. Criteria: Ambry Variant Classification Scheme 2023. Collection method: clinical testing. Allele origin: germline.
Comment: The c.9+1G>A intronic variant results from a G to A substitution one nucleotide after coding exon 1 of the POT1 gene. In silico splice site analysis predicts that this alteration will weaken the native splice donor site. Alterations that disrupt the canonical splice site are expected to cause aberrant splicing, resulting in an abnormal protein or a transcript that is subject to nonsense-mediated mRNA decay. As such, this alteration is classified as likely pathogenic.

Labcorp Genetics (formerly Invitae), Labcorp
Classification: Likely pathogenic for Tumor predisposition syndrome 3. Last evaluated: 2023-05-20. Review status: criteria provided, single submitter. Criteria: Invitae Variant Classification Sherloc (09022015). Collection method: clinical testing. Allele origin: germline.
Comment: In summary, the currently available evidence indicates that the variant is pathogenic, but additional data are needed to prove that conclusively. Therefore, this variant has been classified as Likely Pathogenic. Algorithms developed to predict the effect of sequence changes on RNA splicing suggest that this variant may disrupt the consensus splice site. ClinVar contains an entry for this variant (Variation ID: 1765430). This variant has not been reported in the literature in individuals affected with POT1-related conditions. This variant is not present in population databases (gnomAD no frequency). This sequence change affects a donor splice site in intron 5 of the POT1 gene. It is expected to disrupt RNA splicing. Variants that disrupt the donor or acceptor splice site typically lead to a loss of protein function (PMID: 16199547), and loss-of-function variants in POT1 are known to be pathogenic (PMID: 32155570).

Literature cited by the submitters: PubMed 16199547 (cited by Labcorp Genetics (formerly Invitae), Labcorp); PubMed 32155570 (cited by Labcorp Genetics (formerly Invitae), Labcorp).